The following is an entry in ClinVar:

ClinVar aggregate classification (germline): Benign/Likely benign. Review status: criteria provided, multiple submitters, no conflicts (2 of 4 stars). 7 submissions from 7 submitters: Benign (2); Likely benign (3). 2 of the submissions do not count toward it. Last evaluated 2026-03-23.

Conditions:
Breast-ovarian cancer, familial, susceptibility to, 1 (BROVCA1). Also called: BRCA1 Hereditary Breast and Ovarian Cancer; OVARIAN CANCER, SUSCEPTIBILITY TO. Identifiers: Orphanet 145, MedGen C2676676, MONDO:0011450, OMIM 604370. Disease mechanism: loss of function.
Hereditary breast ovarian cancer syndrome. Also called: Hereditary breast and/or ovarian cancer syndrome; Hereditary breast and ovarian cancer syndrome; Hereditary breast and ovarian cancer; Hereditary breast and ovarian cancer syndrome (HBOC); Breast and ovarian cancer; BRCA1- and BRCA2-Associated Hereditary Breast and Ovarian Cancer. Identifiers: Orphanet 145, MedGen C0677776, MeSH D061325, MONDO:0003582. Disease mechanism: loss of function.
Hereditary cancer-predisposing syndrome. Also called: Hereditary Cancer Syndrome; Neoplastic Syndromes, Hereditary; Hereditary neoplastic syndrome; Tumor predisposition. Identifiers: Orphanet 140162, MedGen C0027672, MeSH D009386, MONDO:0015356.

Submissions (7):

Women's Health and Genetics/Laboratory Corporation of America, LabCorp
Classification: Likely benign. Last evaluated: 2026-03-23. Review status: criteria provided, single submitter. Criteria: LabCorp Variant Classification Summary - May 2015. Collection method: clinical testing. Allele origin: germline.
Comment: Variant summary: BRCA1 c.5468-10_5468-9delCT alters a non-conserved nucleotide located at a position not widely known to affect splicing. Consensus agreement among computation tools predict no significant impact on normal splicing. However, these predictions have yet to be confirmed by functional studies. The variant allele was found at a frequency of 8.8e-05 in 250484 control chromosomes, predominantly at a frequency of 0.00055 within the Latino subpopulation in the gnomAD database. This frequency is not significantly higher than estimated for disease-causing variants in BRCA1, allowing no conclusion about variant significance. c.5468-10_5468-9delCT has been reported in the literature in individuals with breast cancer (Vogel_2007), but without evidence for causality. These report(s) do not provide unequivocal conclusions about association of the variant with Hereditary Breast And Ovarian Cancer Syndrome. To our knowledge, no experimental evidence demonstrating an impact on protein function has been reported. ClinVar contains an entry for this variant (Variation ID: 91652). Based on the evidence outlined above, the variant was classified as likely benign.

Labcorp Genetics (formerly Invitae), Labcorp
Classification: Benign for Hereditary breast ovarian cancer syndrome. Last evaluated: 2026-02-02. Review status: criteria provided, single submitter. Criteria: Invitae Variant Classification Sherloc (09022015). Collection method: clinical testing. Allele origin: germline.

Quest Diagnostics Nichols Institute San Juan Capistrano
Classification: Benign. Last evaluated: 2022-10-29. Review status: criteria provided, single submitter. Criteria: Quest Diagnostics criteria. Collection method: clinical testing. Allele origin: unknown.

GeneDx
Classification: Likely benign. Last evaluated: 2019-08-09. Review status: criteria provided, single submitter. Criteria: GeneDx Variant Classification Process June 2021. Collection method: clinical testing. Allele origin: germline. Affected: yes.

Color Diagnostics, LLC DBA Color Health
Classification: Likely benign for Hereditary cancer-predisposing syndrome. Last evaluated: 2017-11-09. Review status: criteria provided, single submitter. Criteria: ACMG Guidelines, 2015. Collection method: clinical testing. Allele origin: germline.

Sharing Clinical Reports Project (SCRP)
Classification: Benign for Breast-ovarian cancer, familial 1. Last evaluated: 2011-10-27. Review status: no assertion criteria provided. Collection method: clinical testing. Allele origin: germline. Not counted in ClinVar's aggregate classification.

Breast Cancer Information Core (BIC) (BRCA1)
Classification: Uncertain significance for Breast-ovarian cancer, familial 1. Last evaluated: 2003-12-23. Review status: no assertion criteria provided. Collection method: clinical testing. Allele origin: germline. Affected: yes. Observed: 2 variant alleles. Not counted in ClinVar's aggregate classification.

Literature cited by the submitters: PubMed 17925560 (cited by Women's Health and Genetics/Laboratory Corporation of America, LabCorp and Quest Diagnostics Nichols Institute San Juan Capistrano).

NM_007294.4(BRCA1):c.5468-10_5468-9del

Gene: BRCA1 (BRCA1 DNA repair associated; minus strand). Cytogenetic location: 17q21.31.
Variant type: Microsatellite.
Coding change: c.5468-10_5468-9del on transcript NM_007294.4 (MANE Select); 10 bases into the intron before coding-DNA position 5468 through 9 bases into the intron before coding-DNA position 5468, 2 bases deleted (CT; older notation c.5468-10_5468-9delCT).
Molecular consequence: intron variant.
Genome position (GRCh38, 1-based): chr17:43,045,811-43,045,812, AG deleted on the plus strand (CT on the coding strand, the reverse complement: BRCA1 is on the minus strand); deleting any 2 consecutive bases within chr17:43,045,811-43,045,815 gives the same sequence; the c. name uses the placement nearest the transcript's 3' end. VCF-style (leftmost placement, unchanged base first): chr17-43045810-CAG-C. GRCh37 (hg19) VCF-style: chr17-41197827-CAG-C.
Other names: IVS23-10delCT; c.5468-10_5468-9delCT (NM_007294.3, NM_007294.4); c.5534-10_5534-9del (NM_001407582.1, NM_001407581.1); c.5252-10_5252-9del (NM_001407917.1, NM_001407918.1, NM_001407915.1 and 1 more transcripts); c.2015-10_2015-9del (NM_001408462.1, NM_001408458.1, NM_001408461.1 and 7 more transcripts); c.5465-10_5465-9del (NM_001407623.1, NM_001407615.1, NM_001407625.1 and 14 more transcripts); c.5468-10_5468-9del (NM_001407605.1, NM_001407594.1, NM_001407593.1 and 5 more transcripts); c.5255-10_5255-9del (NM_001407902.1, NM_001407897.1, NM_001407908.1 and 12 more transcripts); and 85 more.
Identifiers: ClinVar variation 91652 (VCV000091652.29), dbSNP rs273902770, ClinGen allele CA003619.